The following is an entry in ClinVar:

NM_002715.4(PPP2CA):c.154G>T (p.Val52Phe)

Gene: PPP2CA (protein phosphatase 2 catalytic subunit alpha; minus strand). Cytogenetic location: 5q31.1.
Variant type: single nucleotide variant.
Coding change: c.154G>T on transcript NM_002715.4 (MANE Select); coding-DNA position 154, G replaced by T.
Protein change: p.Val52Phe; replaces valine 52 with phenylalanine.
Molecular consequence: missense variant. On other transcripts: 5 prime UTR variant (1), non-coding transcript variant (1).
Genome position (GRCh38, 1-based): chr5:134,206,080, C>A on the plus strand (G>T on the coding strand, the complement: PPP2CA is on the minus strand). VCF-style: chr5-134206080-C-A. GRCh37 (hg19) VCF-style: chr5-133541771-C-A.
Other names: c.-42G>T (NM_001355019.2); short protein forms V52F.
Identifiers: ClinVar variation 1312008 (VCV001312008.2), dbSNP rs2149384607, ClinGen allele CA360994265.

ClinVar aggregate classification (germline): Uncertain significance (1 of 4 stars; one submission).

Submission:

GeneDx
Classification: Uncertain significance. Last evaluated: 2020-02-03. Review status: criteria provided, single submitter. Criteria: GeneDx Variant Classification Process June 2021. Collection method: clinical testing. Allele origin: germline. Affected: yes.
Comment: Not observed in large population cohorts (Lek et al., 2016); In silico analysis supports that this missense variant has a deleterious effect on protein structure/function; Has not been previously published as pathogenic or benign to our knowledge